The following is an entry in ClinVar:

ClinVar aggregate classification (germline): Likely benign. Review status: criteria provided, single submitter (1 of 4 stars). 2 submissions from 2 submitters: Likely benign (1). 1 of the submissions does not count toward it. Last evaluated 2026-01-11.

Conditions:
Bardet-Biedl syndrome (BBS). Identifiers: Orphanet 110, MedGen C0752166, MONDO:0015229.
TTC8-related disorder. Also called: TTC8-related condition.

gnomAD v4.1: 2 of 1,614,024 alleles (0.00012%); highest among the groups gnomAD compares: Non-Finnish European, 0.00017%; no homozygotes.

Submissions (2):

Labcorp Genetics (formerly Invitae), Labcorp
Classification: Likely benign for Bardet-Biedl syndrome. Last evaluated: 2026-01-11. Review status: criteria provided, single submitter. Criteria: Invitae Variant Classification Sherloc (09022015). Collection method: clinical testing. Allele origin: germline.

PreventionGenetics, part of Exact Sciences
Classification: Likely benign for TTC8-related condition. Last evaluated: 2023-03-20. Review status: no assertion criteria provided. Collection method: clinical testing. Allele origin: germline. Not counted in ClinVar's aggregate classification.
Comment: This variant is classified as likely benign based on ACMG/AMP sequence variant interpretation guidelines (Richards et al. 2015 PMID: 25741868, with internal and published modifications).

NM_144596.4(TTC8):c.465C>G (p.Ser155=)

Gene: TTC8 (tetratricopeptide repeat domain 8; plus strand). Cytogenetic location: 14q31.3.
Variant type: single nucleotide variant.
Coding change: c.465C>G on transcript NM_144596.4 (MANE Select); coding-DNA position 465, C replaced by G.
Protein change: p.Ser155=; no amino-acid change (serine 155 retained).
Molecular consequence: synonymous variant. On other transcripts: 5 prime UTR variant (2), non-coding transcript variant (1).
Genome position (GRCh38, 1-based): chr14:88,841,172, C>G. VCF-style: chr14-88841172-C-G. GRCh37 (hg19) VCF-style: chr14-89307516-C-G.
Other names: c.-223C>G (NM_001288783.1); c.435C>G, p.Ser145= (NM_001366535.2, NM_001366536.2, NM_198309.3 and 2 more transcripts); c.-128C>G (NM_001288782.1); c.465C>G (NM_144596.3).
Identifiers: ClinVar variation 2199899 (VCV002199899.5), dbSNP rs1253468754, ClinGen allele CA487518916.